The following is an entry in ClinVar:

ClinVar aggregate classification (germline): Benign (1 of 4 stars; one submission).

Submission:

GeneDx
Classification: Benign. Last evaluated: 2018-06-14. Review status: criteria provided, single submitter. Criteria: GeneDx Variant Classification (06012015). Collection method: clinical testing. Allele origin: germline. Affected: yes.
Comment: This variant is considered likely benign or benign based on one or more of the following criteria: it is a conservative change, it occurs at a poorly conserved position in the protein, it is predicted to be benign by multiple in silico algorithms, and/or has population frequency not consistent with disease.

NM_000071.3(CBS):c.209+103del

Gene: CBS (cystathionine beta-synthase; minus strand). Cytogenetic location: 21q22.3.
Variant type: Deletion.
Coding change: c.209+103del on transcript NM_000071.3 (MANE Select); 103 bases into the intron after coding-DNA position 209, one base deleted (C; older notation c.209+103delC).
Molecular consequence: intron variant.
Genome position (GRCh38, 1-based): chr21:43,071,882, G deleted on the plus strand (C on the coding strand, the reverse complement: CBS is on the minus strand); the first of 5 consecutive G bases (chr21:43,071,882-43,071,886); deleting any one gives the same sequence. VCF-style (leftmost placement, unchanged base first): chr21-43071881-AG-A. GRCh37 (hg19) VCF-style: chr21-44491991-AG-A.
Other names: c.209+103del (NM_001320298.2, NM_001178009.3, NM_001178008.3).
Identifiers: ClinVar variation 675242 (VCV000675242.1), dbSNP rs147833940, ClinGen allele CA321103521.
Genomic context (GRCh38, chr21:43,071,881, plus strand): 5'-CTCAGAGCCTCATCTACACGGCATGGCCCCACCCCCAGCTCCTCAATCCAGAGTGACTAC[AG>A]GGGGTTACACCTCATGTCCTCCTGGCTGTGTGGTGTCCAGGTAACAAACTCCTGCCCTCC-3'